The following is an entry in ClinVar:

NM_000535.7(PMS2):c.300G>A (p.Gln100=)

Gene: PMS2 (PMS1 homolog 2, mismatch repair system component; minus strand). Cytogenetic location: 7p22.1.
Variant type: single nucleotide variant.
Coding change: c.300G>A on transcript NM_000535.7 (MANE Select); coding-DNA position 300, G replaced by A.
Protein change: p.Gln100=; no amino-acid change (glutamine 100 retained).
Molecular consequence: synonymous variant. On other transcripts: 5 prime UTR variant (9), non-coding transcript variant (1), intron variant (2).
Genome position (GRCh38, 1-based): chr7:6,003,743, C>T on the plus strand (G>A on the coding strand, the complement: PMS2 is on the minus strand). VCF-style: chr7-6003743-C-T. GRCh37 (hg19) VCF-style: chr7-6043374-C-T.
Other names: c.-106G>A (NM_001322003.2, NM_001322004.2, NM_001322005.2 and 3 more transcripts); c.300G>A, p.Gln100= (NM_001322006.2, NM_001322014.2); c.-585G>A (NM_001322011.2, NM_001322012.2); c.-185G>A (NM_001322015.2); c.35+229G>A (NM_001322008.2, NM_001322007.2).
Identifiers: ClinVar variation 649771 (VCV000649771.16), dbSNP rs1064794102, ClinGen allele CA453647955.

ClinVar aggregate classification (germline): Benign/Likely benign. Review status: criteria provided, multiple submitters, no conflicts (2 of 4 stars). 5 submissions from 5 submitters: Benign (1); Likely benign (4). Last evaluated 2025-07-31.

Conditions:
Hereditary cancer-predisposing syndrome. Also called: Neoplastic Syndromes, Hereditary; Tumor predisposition; Hereditary Cancer Syndrome; Hereditary neoplastic syndrome. Identifiers: Orphanet 140162, MedGen C0027672, MeSH D009386, MONDO:0015356.
Hereditary nonpolyposis colorectal neoplasms. Identifiers: MedGen C0009405, MeSH D003123.
Lynch syndrome 4 (LYNCH4). Also called: Hereditary non-polyposis colorectal cancer, type 4; Colorectal cancer, hereditary nonpolyposis, type 4. Identifiers: Orphanet 144, MedGen C1838333, MONDO:0013699, OMIM 614337. Disease mechanism: loss of function.

Allele frequency attached by ClinVar (database versions not stated): gnomAD exomes below 0.00001.
gnomAD v4.1: 1 of 1,602,784 alleles (0.000062%); no homozygotes.

Submissions (5):

Labcorp Genetics (formerly Invitae), Labcorp
Classification: Likely benign for Hereditary nonpolyposis colorectal neoplasms. Last evaluated: 2025-07-31. Review status: criteria provided, single submitter. Criteria: Invitae Variant Classification Sherloc (09022015). Collection method: clinical testing. Allele origin: germline.

Quest Diagnostics Nichols Institute San Juan Capistrano
Classification: Likely benign. Last evaluated: 2025-06-18. Review status: criteria provided, single submitter. Criteria: Quest Diagnostics criteria. Collection method: clinical testing. Allele origin: unknown.

Myriad Genetics, Inc.
Classification: Benign for Lynch syndrome 4. Last evaluated: 2025-01-24. Review status: criteria provided, single submitter. Criteria: Myriad Autosomal Dominant, Autosomal Recessive and X-Linked Classification Criteria (2023). Collection method: clinical testing. Allele origin: unknown.
Comment: This variant is considered benign. This variant is a silent/synonymous amino acid change and it is not expected to impact splicing.

Ambry Genetics
Classification: Likely benign for Hereditary cancer-predisposing syndrome. Last evaluated: 2024-06-19. Review status: criteria provided, single submitter. Criteria: Ambry Variant Classification Scheme 2023. Collection method: clinical testing. Allele origin: germline.

Color Diagnostics, LLC DBA Color Health
Classification: Likely benign for Hereditary cancer-predisposing syndrome. Last evaluated: 2019-05-28. Review status: criteria provided, single submitter. Criteria: ACMG Guidelines, 2015. Collection method: clinical testing. Allele origin: germline.